The following is an entry in ClinVar:

NM_006343.3(MERTK):c.2636A>G (p.Glu879Gly)

Gene: MERTK (MER proto-oncogene, tyrosine kinase; plus strand). Cytogenetic location: 2q13.
Variant type: single nucleotide variant.
Coding change: c.2636A>G on transcript NM_006343.3 (MANE Select); coding-DNA position 2636, A replaced by G.
Protein change: p.Glu879Gly; replaces glutamic acid 879 with glycine.
Molecular consequence: missense variant.
Genome position (GRCh38, 1-based): chr2:112,028,500, A>G. VCF-style: chr2-112028500-A-G. GRCh37 (hg19) VCF-style: chr2-112786077-A-G.
Other names: short protein forms E879G.
Identifiers: ClinVar variation 2115878 (VCV002115878.4), dbSNP rs1280613658, ClinGen allele CA348242864.

ClinVar aggregate classification (germline): Uncertain significance (1 of 4 stars; one submission).

Allele frequency attached by ClinVar (database versions not stated): gnomAD 0.00002; TOPMed 0.00002.
gnomAD v4.1: 3 of 1,614,064 alleles (0.00019%); highest among the groups gnomAD compares: Non-Finnish European, 0.00025%; 1 homozygote.

Submission:

Labcorp Genetics (formerly Invitae), Labcorp
Classification: Uncertain significance. Last evaluated: 2022-03-23. Review status: criteria provided, single submitter. Criteria: Invitae Variant Classification Sherloc (09022015). Collection method: clinical testing. Allele origin: germline.
Comment: In summary, the available evidence is currently insufficient to determine the role of this variant in disease. Therefore, it has been classified as a Variant of Uncertain Significance. Algorithms developed to predict the effect of missense changes on protein structure and function output the following: SIFT: "Deleterious"; PolyPhen-2: "Benign"; Align-GVGD: "Class C65". The glycine amino acid residue is found in multiple mammalian species, which suggests that this missense change does not adversely affect protein function. This variant has not been reported in the literature in individuals affected with MERTK-related conditions. This variant is not present in population databases (gnomAD no frequency). This sequence change replaces glutamic acid, which is acidic and polar, with glycine, which is neutral and non-polar, at codon 879 of the MERTK protein (p.Glu879Gly).